The following is an entry in ClinVar:

ClinVar aggregate classification (germline): Uncertain significance (1 of 4 stars; one submission).

gnomAD v4.1: 3 of 1,614,202 alleles (0.00019%); highest among the groups gnomAD compares: Non-Finnish European, 0.00025%; no homozygotes.

Submission:

Labcorp Genetics (formerly Invitae), Labcorp
Classification: Uncertain significance. Last evaluated: 2022-09-22. Review status: criteria provided, single submitter. Criteria: Invitae Variant Classification Sherloc (09022015). Collection method: clinical testing. Allele origin: germline.
Comment: Advanced modeling of protein sequence and biophysical properties (such as structural, functional, and spatial information, amino acid conservation, physicochemical variation, residue mobility, and thermodynamic stability) performed at Invitae indicates that this missense variant is not expected to disrupt GDF5 protein function. This variant disrupts the p.Arg399 amino acid residue in GDF5. Other variant(s) that disrupt this residue have been determined to be pathogenic (PMID: 20683927). This suggests that this residue is clinically significant, and that variants that disrupt this residue are likely to be disease-causing. In summary, the available evidence is currently insufficient to determine the role of this variant in disease. Therefore, it has been classified as a Variant of Uncertain Significance. This variant is present in population databases (no rsID available, gnomAD 0.0009%). This variant has not been reported in the literature in individuals affected with GDF5-related conditions. This sequence change replaces arginine, which is basic and polar, with histidine, which is basic and polar, at codon 399 of the GDF5 protein (p.Arg399His).

Literature cited by the submitters: PubMed 20683927.

NM_000557.5(GDF5):c.1196G>A (p.Arg399His)

Genes: GDF5 (growth differentiation factor 5; minus strand), GDF5-AS1 (GDF5 antisense RNA 1; plus strand). Cytogenetic location: 20q11.22.
Variant type: single nucleotide variant.
Coding change: c.1196G>A on transcript NM_000557.5 (MANE Select); coding-DNA position 1196, G replaced by A.
Protein change: p.Arg399His; replaces arginine 399 with histidine.
Molecular consequence: missense variant. On other transcripts: non-coding transcript variant (1).
Genome position (GRCh38, 1-based): chr20:35,434,219, C>T on the plus strand (G>A on the coding strand, the complement: GDF5 is on the minus strand). VCF-style: chr20-35434219-C-T. GRCh37 (hg19) VCF-style: chr20-34022017-C-T.
Other names: c.1196G>A, p.Arg399His (NM_001319138.2); short protein forms R399H.
Identifiers: ClinVar variation 2117004 (VCV002117004.4), dbSNP rs1242283920, ClinGen allele CA408739307.